The following is an entry in ClinVar:

NM_177550.5(SLC13A5):c.723T>G (p.Phe241Leu)

Gene: SLC13A5 (solute carrier family 13 member 5; minus strand). Cytogenetic location: 17p13.1.
Variant type: single nucleotide variant.
Coding change: c.723T>G on transcript NM_177550.5 (MANE Select); coding-DNA position 723, T replaced by G.
Protein change: p.Phe241Leu; replaces phenylalanine 241 with leucine.
Molecular consequence: missense variant.
Genome position (GRCh38, 1-based): chr17:6,701,120, A>C on the plus strand (T>G on the coding strand, the complement: SLC13A5 is on the minus strand). VCF-style: chr17-6701120-A-C. GRCh37 (hg19) VCF-style: chr17-6604439-A-C.
Other names: c.723T>G, p.Phe241Leu (NM_001143838.3); c.672T>G, p.Phe224Leu (NM_001284509.2); c.594T>G, p.Phe198Leu (NM_001284510.2); short protein forms F224L, F198L, F241L.
Identifiers: ClinVar variation 1977291 (VCV001977291.5), dbSNP rs771892236, ClinGen allele CA8331617.
Genomic context (GRCh38, chr17:6,701,120, plus strand): 5'-CATGTTGGGAAAGGCAAATGCAAACCAGGAAGCAAAGTTCACGAGGTCCTTGCTGTCAGG[A>C]AACAACCTACAAGAAGACACCGGCCCCCACCTCAGATGCTGAGCTGTGGGAGCCAGCCTG-3'
Protein context (NP_808218.1, residues 231-251): VVLLGQMNEL[Phe241Leu]PDSKDLVNFA

ClinVar aggregate classification (germline): Uncertain significance (1 of 4 stars; one submission).

Conditions:
Developmental and epileptic encephalopathy, 25 (DEE25). Also called: Epileptic encephalopathy, early infantile, 25; Developmental and epileptic encephalopathy 25, with amelogenesis imperfecta; Epileptic encephalopathy, early infantile, 25, with amelogenesis imperfecta. Identifiers: Orphanet 442835, MedGen C4014621, MONDO:0014392, OMIM 615905.

Allele frequency attached by ClinVar (database versions not stated): TOPMed below 0.00001; ExAC 0.00001.
gnomAD v4.1: 3 of 1,614,034 alleles (0.00019%); no homozygotes.

Submission:

Labcorp Genetics (formerly Invitae), Labcorp
Classification: Uncertain significance for Developmental and epileptic encephalopathy, 25. Last evaluated: 2022-05-03. Review status: criteria provided, single submitter. Criteria: Invitae Variant Classification Sherloc (09022015). Collection method: clinical testing. Allele origin: germline.
Comment: In summary, the available evidence is currently insufficient to determine the role of this variant in disease. Therefore, it has been classified as a Variant of Uncertain Significance. Algorithms developed to predict the effect of missense changes on protein structure and function are either unavailable or do not agree on the potential impact of this missense change (SIFT: "Deleterious"; PolyPhen-2: "Benign"; Align-GVGD: "Class C0"). This variant has not been reported in the literature in individuals affected with SLC13A5-related conditions. This variant is present in population databases (rs771892236, gnomAD 0.01%). This sequence change replaces phenylalanine, which is neutral and non-polar, with leucine, which is neutral and non-polar, at codon 241 of the SLC13A5 protein (p.Phe241Leu).